The following is an entry in ClinVar:

ClinVar aggregate classification (germline): Uncertain significance. Review status: criteria provided, multiple submitters, no conflicts (2 of 4 stars). 2 submissions from 2 submitters: Uncertain significance (2). Last evaluated 2025-12-18.

Conditions:
Familial cancer of breast. Also called: BREAST CANCER, FAMILIAL; Hereditary breast cancer; hereditary breast carcinoma. Identifiers: Orphanet 227535, MedGen C0346153, MONDO:0016419, OMIM 114480. Disease mechanism: loss of function.
Hereditary cancer-predisposing syndrome. Also called: Neoplastic Syndromes, Hereditary; Tumor predisposition; Hereditary Cancer Syndrome; Hereditary neoplastic syndrome. Identifiers: Orphanet 140162, MedGen C0027672, MeSH D009386, MONDO:0015356.

Submissions (2):

Ambry Genetics
Classification: Uncertain significance for Hereditary cancer-predisposing syndrome. Last evaluated: 2025-12-18. Review status: criteria provided, single submitter. Criteria: Ambry Variant Classification Scheme 2023. Collection method: clinical testing. Allele origin: germline.
Comment: The p.H556Y variant (also known as c.1666C>T), located in coding exon 7 of the BARD1 gene, results from a C to T substitution at nucleotide position 1666. The histidine at codon 556 is replaced by tyrosine, an amino acid with similar properties. This amino acid position is conserved. In addition, this alteration is predicted to be tolerated by in silico analysis. Based on the available evidence, the clinical significance of this variant remains unclear.

Labcorp Genetics (formerly Invitae), Labcorp
Classification: Uncertain significance for Familial cancer of breast. Last evaluated: 2025-06-25. Review status: criteria provided, single submitter. Criteria: Invitae Variant Classification Sherloc (09022015). Collection method: clinical testing. Allele origin: germline.
Comment: This sequence change replaces histidine, which is basic and polar, with tyrosine, which is neutral and polar, at codon 556 of the BARD1 protein (p.His556Tyr). This variant is not present in population databases (gnomAD no frequency). This variant has not been reported in the literature in individuals affected with BARD1-related conditions. An algorithm developed to predict the effect of missense changes on protein structure and function (PolyPhen-2) suggests that this variant is likely to be tolerated. In summary, the available evidence is currently insufficient to determine the role of this variant in disease. Therefore, it has been classified as a Variant of Uncertain Significance.

NM_000465.4(BARD1):c.1666C>T (p.His556Tyr)

Gene: BARD1 (BRCA1 associated RING domain 1; minus strand). Cytogenetic location: 2q35.
Variant type: single nucleotide variant.
Coding change: c.1666C>T on transcript NM_000465.4 (MANE Select); coding-DNA position 1666, C replaced by T.
Protein change: p.His556Tyr; replaces histidine 556 with tyrosine.
Molecular consequence: missense variant. On other transcripts: non-coding transcript variant (3), intron variant (1).
Genome position (GRCh38, 1-based): chr2:214,752,458, G>A on the plus strand (C>T on the coding strand, the complement: BARD1 is on the minus strand). VCF-style: chr2-214752458-G-A. GRCh37 (hg19) VCF-style: chr2-215617182-G-A.
Other names: c.1666C>T (NM_000465.2); c.1609C>T, p.His537Tyr (NM_001282543.2); c.313C>T, p.His105Tyr (NM_001282545.2); c.256C>T, p.His86Tyr (NM_001282548.2); c.365-21950C>T (NM_001282549.2); short protein forms H105Y, H537Y, H556Y, H86Y.
Identifiers: ClinVar variation 4722137 (VCV004722137.2).